The following is an entry in ClinVar:

ClinVar aggregate classification (germline): Uncertain significance (1 of 4 stars; one submission).

Conditions:
Hereditary cancer-predisposing syndrome. Also called: Hereditary Cancer Syndrome; Hereditary neoplastic syndrome; Tumor predisposition; Neoplastic Syndromes, Hereditary. Identifiers: Orphanet 140162, MedGen C0027672, MeSH D009386, MONDO:0015356.

Submission:

Ambry Genetics
Classification: Uncertain significance for Hereditary cancer-predisposing syndrome. Last evaluated: 2019-07-09. Review status: criteria provided, single submitter. Criteria: Ambry Variant Classification Scheme 2023. Collection method: clinical testing. Allele origin: germline.
Comment: The p.N842Y variant (also known as c.2524A>T), located in coding exon 15 of the PMS2 gene, results from an A to T substitution at nucleotide position 2524. The asparagine at codon 842 is replaced by tyrosine, an amino acid with dissimilar properties. This amino acid position is highly conserved in available vertebrate species. In addition, this alteration is predicted to be deleterious by in silico analysis. Since supporting evidence is limited at this time, the clinical significance of this alteration remains unclear.

NM_000535.7(PMS2):c.2524A>T (p.Asn842Tyr)

Gene: PMS2 (PMS1 homolog 2, mismatch repair system component; minus strand). Cytogenetic location: 7p22.1.
Variant type: single nucleotide variant.
Coding change: c.2524A>T on transcript NM_000535.7 (MANE Select); coding-DNA position 2524, A replaced by T.
Protein change: p.Asn842Tyr; replaces asparagine 842 with tyrosine.
Molecular consequence: missense variant. On other transcripts: non-coding transcript variant (1).
Genome position (GRCh38, 1-based): chr7:5,973,464, T>A on the plus strand (A>T on the coding strand, the complement: PMS2 is on the minus strand). VCF-style: chr7-5973464-T-A. GRCh37 (hg19) VCF-style: chr7-6013095-T-A.
Other names: c.2119A>T, p.Asn707Tyr (NM_001018040.1, NM_001322003.2, NM_001322004.2 and 12 more transcripts); c.2368A>T, p.Asn790Tyr (NM_001322006.2); c.2206A>T, p.Asn736Tyr (NM_001322007.2, NM_001322008.2, NM_001406883.1); c.2152A>T, p.Asn718Tyr (NM_001322009.2, NM_001406887.1, NM_001406888.1); c.1963A>T, p.Asn655Tyr (NM_001322010.2, NM_001406906.1, NM_001406907.1); c.1591A>T, p.Asn531Tyr (NM_001322011.2, NM_001322012.2); c.1951A>T, p.Asn651Tyr (NM_001322013.2, NM_001406908.1, NM_001406909.1); c.2557A>T, p.Asn853Tyr (NM_001322014.2); and 20 more; short protein forms N531Y, N734Y, N790Y, N806Y, N842Y, N651Y, N655Y, N680Y.
Identifiers: ClinVar variation 1792576 (VCV001792576.2), dbSNP rs2535187015, ClinGen allele CA366734869.